The following is an entry in ClinVar:

NM_003970.4(MYOM2):c.1943G>A (p.Cys648Tyr)

Gene: MYOM2 (myomesin 2; plus strand). Cytogenetic location: 8p23.3.
Variant type: single nucleotide variant.
Coding change: c.1943G>A on transcript NM_003970.4 (MANE Select); coding-DNA position 1943, G replaced by A.
Protein change: p.Cys648Tyr; replaces cysteine 648 with tyrosine.
Molecular consequence: missense variant.
Genome position (GRCh38, 1-based): chr8:2,092,460, G>A. VCF-style: chr8-2092460-G-A. GRCh37 (hg19) VCF-style: chr8-2040288-G-A.
Other names: c.1943G>A (NM_003970.3); short protein forms C648Y.
Identifiers: ClinVar variation 3024957 (VCV003024957.23), dbSNP rs62478384, ClinGen allele CA170456012.

ClinVar aggregate classification (germline): Likely benign. Review status: criteria provided, single submitter (1 of 4 stars). 2 submissions from 2 submitters: Likely benign (1). 1 of the submissions does not count toward it. Last evaluated 2023-12-01.

Conditions:
MYOM2-related disorder. Also called: MYOM2-related condition.

Allele frequency attached by ClinVar (database versions not stated): 1000 Genomes Project 30x 0.00234; 1000 Genomes Project 0.00260; ExAC 0.00372; gnomAD 0.00412; ESP Exome Variant Server 0.00446; TOPMed 0.00452.
gnomAD v4.1: 9,695 of 1,614,148 alleles (0.6%); highest among the groups gnomAD compares: Non-Finnish European, 0.72%; 51 homozygotes.

Submissions (2):

CeGaT Center for Human Genetics Tuebingen
Classification: Likely benign. Last evaluated: 2023-12-01. Review status: criteria provided, single submitter. Criteria: CeGaT Center For Human Genetics Tuebingen Variant Classification Criteria Version 2. Collection method: clinical testing. Allele origin: germline. Affected: yes. Observed: 1 variant allele.
Comment: MYOM2: BS2

PreventionGenetics, part of Exact Sciences
Classification: Likely benign for MYOM2-related condition. Last evaluated: 2019-06-07. Review status: no assertion criteria provided. Collection method: clinical testing. Allele origin: germline. Not counted in ClinVar's aggregate classification.
Comment: This variant is classified as likely benign based on ACMG/AMP sequence variant interpretation guidelines (Richards et al. 2015 PMID: 25741868, with internal and published modifications).